The following is an entry in ClinVar:

ClinVar aggregate classification (germline): Likely benign. Review status: criteria provided, multiple submitters, no conflicts (2 of 4 stars). 4 submissions from 4 submitters: Likely benign (4). Last evaluated 2025-03-13.

Conditions:
Familial visceral amyloidosis, Ostertag type (AMYLD2). Also called: Ostertag type amyloidosis; Familial visceral amyloidosis; Hereditary Renal Amyloidosis; AMYLOIDOSIS VIII; AMYLOIDOSIS, HEREDITARY SYSTEMIC 2; Amyloidosis, hepatic and systemic. Identifiers: Orphanet 85450, MedGen C0268389, MONDO:0007099, OMIM 105200.
Hypoalphalipoproteinemia, primary, 2. Also called: HIGH DENSITY LIPOPROTEIN DEFICIENCY; HYPOALPHALIPOPROTEINEMIA, PRIMARY, 2, AUTOSOMAL RECESSIVE. Identifiers: MedGen C5551172, MONDO:0032766, OMIM 618463.
Hypoalphalipoproteinemia, primary, 2, intermediate. Also called: HYPOALPHALIPOPROTEINEMIA, PRIMARY, 2, AUTOSOMAL DOMINANT. Identifiers: MedGen C5677030, MONDO:0859238, OMIM 619836.
APOA1-related disorder. Also called: APOA1-related condition.
Cardiovascular phenotype. Identifiers: MedGen CN230736.

Allele frequency attached by ClinVar (database versions not stated): ExAC 0.00010; gnomAD 0.00021 and 0.00023; ESP Exome Variant Server 0.00023; TOPMed 0.00029; 1000 Genomes Project 30x 0.00047; 1000 Genomes Project 0.00060.
gnomAD v4.1: 60 of 1,605,018 alleles (0.0037%); highest among the groups gnomAD compares: African/African-American, 0.08%; no homozygotes.

Submissions (4):

Labcorp Genetics (formerly Invitae), Labcorp
Classification: Likely benign. Last evaluated: 2025-03-13. Review status: criteria provided, single submitter. Criteria: Invitae Variant Classification Sherloc (09022015). Collection method: clinical testing. Allele origin: germline.

PreventionGenetics, part of Exact Sciences
Classification: Likely benign for APOA1-related condition. Last evaluated: 2025-02-07. Review status: criteria provided, single submitter. Criteria: ACMG Guidelines, 2015. Collection method: clinical testing. Allele origin: germline.
Comment: This variant is classified as likely benign based on ACMG/AMP sequence variant interpretation guidelines (Richards et al. 2015 PMID: 25741868, with internal and published modifications).

Fulgent Genetics
Classification: Likely benign for Familial visceral amyloidosis, Ostertag type; Hypoalphalipoproteinemia, primary, 2; Hypoalphalipoproteinemia, primary, 2, intermediate. Last evaluated: 2022-03-31. Review status: criteria provided, single submitter. Criteria: ACMG Guidelines, 2015. Collection method: clinical testing. Allele origin: unknown.

Ambry Genetics
Classification: Likely benign for Cardiovascular phenotype. Last evaluated: 2019-11-01. Review status: criteria provided, single submitter. Criteria: Ambry Variant Classification Scheme 2023. Collection method: clinical testing. Allele origin: germline.

NM_000039.3(APOA1):c.555G>C (p.Thr185=)

Gene: APOA1 (apolipoprotein A1; minus strand). Cytogenetic location: 11q23.3.
Variant type: single nucleotide variant.
Coding change: c.555G>C on transcript NM_000039.3 (MANE Select); coding-DNA position 555, G replaced by C.
Protein change: p.Thr185=; no amino-acid change (threonine 185 retained).
Molecular consequence: synonymous variant.
Genome position (GRCh38, 1-based): chr11:116,836,057, C>G on the plus strand (G>C on the coding strand, the complement: APOA1 is on the minus strand). VCF-style: chr11-116836057-C-G. GRCh37 (hg19) VCF-style: chr11-116706773-C-G.
Other names: c.555G>C, p.Thr185= (NM_001318017.2, NM_001318018.2); c.228G>C, p.Thr76= (NM_001318021.2); c.555G>C (NM_000039.2).
Identifiers: ClinVar variation 1609652 (VCV001609652.12), dbSNP rs143182884, ClinGen allele CA6289785.